The following is an entry in ClinVar:

ClinVar aggregate classification (germline): Likely benign (1 of 4 stars; one submission).

Submission:

CeGaT Center for Human Genetics Tuebingen
Classification: Likely benign. Last evaluated: 2024-03-01. Review status: criteria provided, single submitter. Criteria: CeGaT Center For Human Genetics Tuebingen Variant Classification Criteria Version 2. Collection method: clinical testing. Allele origin: germline. Affected: yes. Observed: 3 variant alleles.
Comment: AHNAK2: BS2

NM_138420.4(AHNAK2):c.3850_3856del (p.Ala1284fs)

Gene: AHNAK2 (AHNAK nucleoprotein 2; minus strand). Cytogenetic location: 14q32.33.
Variant type: Deletion.
Coding change: c.3850_3856del on transcript NM_138420.4 (MANE Select); coding-DNA positions 3850 to 3856, 7 bases deleted (GCCCACG; older notation c.3850_3856delGCCCACG).
Protein change: p.Ala1284fs; shifts the reading frame from alanine 1284.
Molecular consequence: frameshift variant.
Genome position (GRCh38, 1-based): chr14:104,951,595-104,951,601, CGTGGGC deleted on the plus strand (GCCCACG on the coding strand, the reverse complement: AHNAK2 is on the minus strand); deleting any 7 consecutive bases within chr14:104,951,595-104,951,604 gives the same sequence; the c. name uses the placement nearest the transcript's 3' end. VCF-style (leftmost placement, unchanged base first): chr14-104951594-TCGTGGGC-T. GRCh37 (hg19) VCF-style: chr14-105417931-TCGTGGGC-T.
Other names: c.3550_3556del, p.Ala1184fs (NM_001350929.2); short protein forms A1184fs, A1284fs.
Identifiers: ClinVar variation 2644839 (VCV002644839.24), dbSNP rs762500092, ClinGen allele CA7382775.